The following is an entry in ClinVar:

NM_022455.5(NSD1):c.3580_3581insT (p.Asp1194fs)

Gene: NSD1 (nuclear receptor binding SET domain protein 1; plus strand). Cytogenetic location: 5q35.3.
Variant type: Insertion.
Coding change: c.3580_3581insT on transcript NM_022455.5 (MANE Select); coding-DNA positions 3580 to 3581, T inserted.
Protein change: p.Asp1194fs; shifts the reading frame from aspartic acid 1194.
Molecular consequence: frameshift variant.
Genome position: GRCh38 VCF-style: chr5-177211979-G-GT. GRCh37 (hg19) VCF-style: chr5-176638980-G-GT.
Other names: c.2707_2708insT, p.Asp903Valfs (NM_001365684.2, NM_001409306.1, NM_001409307.1 and 3 more transcripts); c.3580_3581insT, p.Asp1194Valfs (NM_001409301.1, NM_001409302.1, NM_001409303.1); c.3160_3161insT, p.Asp1054Valfs (NM_001409304.1); c.2827_2828insT, p.Asp943Valfs (NM_001409305.1); short protein forms D925fs, D1194fs.
Identifiers: ClinVar variation 817177 (VCV000817177.1), dbSNP rs1581326628, ClinGen allele CA915942775.

ClinVar aggregate classification (germline): Pathogenic (1 of 4 stars; one submission).

Submission:

GeneDx
Classification: Pathogenic. Last evaluated: 2018-08-10. Review status: criteria provided, single submitter. Criteria: GeneDx Variant Classification (06012015). Collection method: clinical testing. Allele origin: germline. Affected: yes.
Comment: The c.3580_3581insT pathogenic variant in the NSD1 gene causes a frameshift starting with codon Aspartic Acid 1194, changes this amino acid to a Valine residue and creates a premature Stop codon at position 9 of the new reading frame, denoted p.Asp1194ValfsX9. This pathogenic variant is predicted to cause loss of normal protein function either through protein truncation or nonsense-mediated mRNA decay. The c.3580_3581insT variant is not observed in large population cohorts (Lek et al., 2016).